The following is an entry in ClinVar:

ClinVar aggregate classification (germline): Uncertain significance (1 of 4 stars; one submission).

Allele frequency attached by ClinVar (database versions not stated): TOPMed below 0.00001.
gnomAD v4.1: 1 of 1,532,174 alleles (0.000065%); no homozygotes.

Submission:

Labcorp Genetics (formerly Invitae), Labcorp
Classification: Uncertain significance. Last evaluated: 2021-08-18. Review status: criteria provided, single submitter. Criteria: Invitae Variant Classification Sherloc (09022015). Collection method: clinical testing. Allele origin: germline.
Comment: This sequence change replaces serine with leucine at codon 2536 of the SPEG protein (p.Ser2536Leu). The serine residue is highly conserved and there is a large physicochemical difference between serine and leucine. The frequency data for this variant in the population databases is considered unreliable, as metrics indicate insufficient coverage at this position in the ExAC database. This variant has not been reported in the literature in individuals affected with SPEG-related conditions. Algorithms developed to predict the effect of missense changes on protein structure and function are either unavailable or do not agree on the potential impact of this missense change (SIFT: "Tolerated"; PolyPhen-2: "Probably Damaging"; Align-GVGD: "Class C0"). In summary, the available evidence is currently insufficient to determine the role of this variant in disease. Therefore, it has been classified as a Variant of Uncertain Significance.

NM_005876.5(SPEG):c.7607C>T (p.Ser2536Leu)

Genes: ASIC4-AS1 (ASIC4 antisense RNA 1; minus strand), SPEG (striated muscle enriched protein kinase; plus strand). Cytogenetic location: 2q35.
Variant type: single nucleotide variant.
Coding change: c.7607C>T on transcript NM_005876.5 (MANE Select); coding-DNA position 7607, C replaced by T.
Protein change: p.Ser2536Leu; replaces serine 2536 with leucine.
Molecular consequence: missense variant.
Genome position (GRCh38, 1-based): chr2:219,485,070, C>T. VCF-style: chr2-219485070-C-T. GRCh37 (hg19) VCF-style: chr2-220349792-C-T.
Other names: short protein forms S2536L.
Identifiers: ClinVar variation 1357722 (VCV001357722.6), dbSNP rs936368445, ClinGen allele CA65992901.
Genomic context (GRCh38, chr2:219,485,070, plus strand): 5'-GCGCCACCACGCCTTCCGCCGAGTCCCTGGGCTCCGAGGCCAGCGCCACGTCGGGCTCCT[C>T]AGGTGAGGAGGGGCAGGGGTAGGGCAGCAGGTGCAGAGGAGGGTGGGGTGCGCTGGAGAG-3'
Protein context (NP_005867.3, residues 2526-2546): GSEASATSGS[Ser2536Leu]APGESRSRLR